The following is an entry in ClinVar:

ClinVar aggregate classification (germline): Uncertain significance (1 of 4 stars; one submission).

Conditions:
Charcot-Marie-Tooth disease X-linked dominant 6. Also called: CHARCOT-MARIE-TOOTH NEUROPATHY, X-LINKED DOMINANT, 6. Identifiers: Orphanet 352675, MedGen C3806702, MONDO:0010479, OMIM 300905.

Allele frequency attached by ClinVar (database versions not stated): gnomAD exomes below 0.00001.
gnomAD v4.1: 1 of 1,143,527 alleles (0.000087%); highest among the groups gnomAD compares: Non-Finnish European, 0.00012%; no homozygotes.

Submission:

Labcorp Genetics (formerly Invitae), Labcorp
Classification: Uncertain significance for Charcot-Marie-Tooth disease X-linked dominant 6. Last evaluated: 2020-09-24. Review status: criteria provided, single submitter. Criteria: Invitae Variant Classification Sherloc (09022015). Collection method: clinical testing. Allele origin: germline.
Comment: This sequence change falls in intron 4 of the PDK3 gene. It does not directly change the encoded amino acid sequence of the PDK3 protein, but it affects a nucleotide within the consensus splice site of the intron. This variant is not present in population databases (ExAC no frequency). This variant has not been reported in the literature in individuals with PDK3-related conditions. Nucleotide substitutions within the consensus splice site are a relatively common cause of aberrant splicing (PMID: 17576681, 9536098). Algorithms developed to predict the effect of sequence changes on RNA splicing suggest that this variant may disrupt the consensus splice site, but this prediction has not been confirmed by published transcriptional studies. In summary, the available evidence is currently insufficient to determine the role of this variant in disease. Therefore, it has been classified as a Variant of Uncertain Significance.

Literature cited by the submitters: PubMed 17576681; PubMed 9536098.

NM_005391.5(PDK3):c.505+3A>T

Gene: PDK3 (pyruvate dehydrogenase kinase 3; plus strand). Cytogenetic location: Xp22.11.
Variant type: single nucleotide variant.
Coding change: c.505+3A>T on transcript NM_005391.5 (MANE Select); 3 bases into the intron after coding-DNA position 505, A replaced by T.
Molecular consequence: intron variant.
Genome position (GRCh38, 1-based): chrX:24,503,514, A>T. VCF-style: chrX-24503514-A-T. GRCh37 (hg19) VCF-style: chrX-24521631-A-T.
Other names: c.505+3A>T (NM_001142386.3).
Identifiers: ClinVar variation 1046094 (VCV001046094.6), dbSNP rs1921912997, ClinGen allele CA2420042693.
Genomic context (GRCh38, chrX:24,503,514, plus strand): 5'-TTTCTGGATCGGTTTTATACCAACCGCATCTCTTTCCGCATGCTTATTAATCAGCACAGT[A>T]AGTTGGAGTTTGTTGGTCCAGTTTTGAAAAGGTAACCATAGTGATTTCTCCCAAATGTTT-3'